The following is an entry in ClinVar:

ClinVar aggregate classification (germline): Likely risk allele (0 of 4 stars; one submission).

Conditions:
Pulmonary fibrosis. Identifiers: MedGen C0034069, MONDO:0002771, HP:0002206.

Allele frequency attached by ClinVar (database versions not stated): TOPMed 0.00001.

Submission:

Garcia Pulmonary Genetics Research Laboratory, Columbia University Irving Medical Center
Classification: Likely risk allele for Pulmonary fibrosis. Last evaluated: 2022-06-09. Review status: no assertion criteria provided. Collection method: research. Allele origin: germline. Affected: yes.
Comment: Leukocyte telomere length (by qPCR) less than 10th percentile age-adjusted

NM_001363.5(DKC1):c.974A>G (p.Asp325Gly)

Gene: DKC1 (dyskerin pseudouridine synthase 1; plus strand). Cytogenetic location: Xq28.
Variant type: single nucleotide variant.
Coding change: c.974A>G on transcript NM_001363.5 (MANE Select); coding-DNA position 974, A replaced by G.
Protein change: p.Asp325Gly; replaces aspartic acid 325 with glycine.
Molecular consequence: missense variant. On other transcripts: non-coding transcript variant (3).
Genome position (GRCh38, 1-based): chrX:154,770,817, A>G. VCF-style: chrX-154770817-A-G. GRCh37 (hg19) VCF-style: chrX-153999092-A-G.
Other names: p.Asp325Gly; c.974A>G, p.Asp325Gly (NM_001142463.3, NM_001288747.2); short protein forms D325G.
Identifiers: ClinVar variation 1695935 (VCV001695935.1), dbSNP rs2071814101, ClinGen allele CA414894193.